The following is an entry in ClinVar:

ClinVar aggregate classification (germline): Uncertain significance. Review status: criteria provided, multiple submitters, no conflicts (2 of 4 stars). 2 submissions from 2 submitters: Uncertain significance (2). Last evaluated 2024-10-04.

Allele frequency attached by ClinVar (database versions not stated): 1000 Genomes Project 30x 0.00016; 1000 Genomes Project 0.00020; ExAC 0.00020; TOPMed 0.00023; gnomAD 0.00026; gnomAD exomes 0.00036; ESP Exome Variant Server 0.00046.
gnomAD v4.1: 553 of 1,609,706 alleles (0.034%); highest among the groups gnomAD compares: Non-Finnish European, 0.044%; no homozygotes.

Submissions (2):

Ambry Genetics
Classification: Uncertain significance. Last evaluated: 2024-10-04. Review status: criteria provided, single submitter. Criteria: Ambry Variant Classification Scheme 2023. Collection method: clinical testing. Allele origin: germline.

Labcorp Genetics (formerly Invitae), Labcorp
Classification: Uncertain significance. Last evaluated: 2022-05-15. Review status: criteria provided, single submitter. Criteria: Invitae Variant Classification Sherloc (09022015). Collection method: clinical testing. Allele origin: germline.
Comment: This sequence change replaces glutamic acid, which is acidic and polar, with lysine, which is basic and polar, at codon 121 of the EMP2 protein (p.Glu121Lys). This variant is present in population databases (rs143318656, gnomAD 0.03%). This variant has not been reported in the literature in individuals affected with EMP2-related conditions. Algorithms developed to predict the effect of missense changes on protein structure and function output the following: SIFT: "Tolerated"; PolyPhen-2: "Benign"; Align-GVGD: "Class C0". The lysine amino acid residue is found in multiple mammalian species, which suggests that this missense change does not adversely affect protein function. In summary, the available evidence is currently insufficient to determine the role of this variant in disease. Therefore, it has been classified as a Variant of Uncertain Significance.

NM_001424.6(EMP2):c.361G>A (p.Glu121Lys)

Gene: EMP2 (epithelial membrane protein 2; minus strand). Cytogenetic location: 16p13.13.
Variant type: single nucleotide variant.
Coding change: c.361G>A on transcript NM_001424.6 (MANE Select); coding-DNA position 361, G replaced by A.
Protein change: p.Glu121Lys; replaces glutamic acid 121 with lysine.
Molecular consequence: missense variant.
Genome position (GRCh38, 1-based): chr16:10,533,048, C>T on the plus strand (G>A on the coding strand, the complement: EMP2 is on the minus strand). VCF-style: chr16-10533048-C-T. GRCh37 (hg19) VCF-style: chr16-10626905-C-T.
Other names: short protein forms E121K.
Identifiers: ClinVar variation 2077729 (VCV002077729.3), dbSNP rs143318656, ClinGen allele CA7897754.